The following is an entry in ClinVar:

ClinVar aggregate classification (germline): Uncertain significance. Review status: criteria provided, multiple submitters, no conflicts (2 of 4 stars). 4 submissions from 4 submitters: Uncertain significance (3). 1 of the submissions does not count toward it. Last evaluated 2024-04-19.

Conditions:
Spastic paraplegia, intellectual disability, nystagmus, and obesity. Also called: Spastic paraplegia, intellectual disability, nystagmus, and obesity;. Identifiers: Orphanet 521390, MedGen C4284592, MONDO:0015007, OMIM 617296.
KIDINS220-related disorder. Also called: KIDINS220-related condition.

Submissions (4):

GeneDx
Classification: Uncertain significance. Last evaluated: 2024-04-19. Review status: criteria provided, single submitter. Criteria: GeneDx Variant Classification Process June 2021. Collection method: clinical testing. Allele origin: germline. Affected: yes.
Comment: Not observed at significant frequency in large population cohorts (gnomAD); In silico analysis supports a deleterious effect on protein structure/function; Has not been previously published as pathogenic or benign to our knowledge

Labcorp Genetics (formerly Invitae), Labcorp
Classification: Uncertain significance. Last evaluated: 2021-05-13. Review status: criteria provided, single submitter. Criteria: Invitae Variant Classification Sherloc (09022015). Collection method: clinical testing. Allele origin: germline.
Comment: In summary, the available evidence is currently insufficient to determine the role of this variant in disease. Therefore, it has been classified as a Variant of Uncertain Significance. Algorithms developed to predict the effect of missense changes on protein structure and function are either unavailable or do not agree on the potential impact of this missense change (SIFT: "Not Available"; PolyPhen-2: "Probably Damaging"; Align-GVGD: "Not Available"). This variant has been observed in individual(s) with clinical features of hereditary spastic paraplegia (Invitae). ClinVar contains an entry for this variant (Variation ID: 1032095). The frequency data for this variant in the population databases is not available, as this variant may be reported as separate entries in the ExAC database. This sequence change replaces glycine with valine at codon 193 of the KIDINS220 protein (p.Gly193Val). The glycine residue is highly conserved and there is a moderate physicochemical difference between glycine and valine.

Baylor Genetics
Classification: Uncertain significance for Spastic paraplegia, intellectual disability, nystagmus, and obesity. Last evaluated: 2018-06-01. Review status: criteria provided, single submitter. Criteria: ACMG Guidelines, 2015. Collection method: clinical testing. Allele origin: unknown. Affected: yes.
Comment: This variant was determined to be of uncertain significance according to ACMG Guidelines, 2015 [PMID:25741868].

PreventionGenetics, part of Exact Sciences
Classification: Uncertain significance for KIDINS220-related condition. Last evaluated: 2024-04-26. Review status: no assertion criteria provided. Collection method: clinical testing. Allele origin: germline. Not counted in ClinVar's aggregate classification.
Comment: The KIDINS220 c.578_579delinsTT variant is predicted to result in an in-frame deletion and insertion. To our knowledge, this variant has not been reported in the literature or in a large population database, indicating this variant is rare. At this time, the clinical significance of this variant is uncertain due to the absence of conclusive functional and genetic evidence.

NM_020738.4(KIDINS220):c.578_579delinsTT (p.Gly193Val)

Gene: KIDINS220 (kinase D interacting substrate 220; minus strand). Cytogenetic location: 2p25.1.
Variant type: Indel.
Coding change: c.578_579delinsTT on transcript NM_020738.4 (MANE Select); coding-DNA positions 578 to 579, GA replaced by TT.
Protein change: p.Gly193Val; replaces glycine 193 with valine.
Molecular consequence: missense variant. On other transcripts: non-coding transcript variant (2).
Genome position (GRCh38, 1-based): chr2:8,806,295-8,806,296, TC replaced by AA on the plus strand (GA replaced by TT on the coding strand, the reverse complement: KIDINS220 is on the minus strand). VCF-style: chr2-8806295-TC-AA. GRCh37 (hg19) VCF-style: chr2-8946425-TC-AA.
Other names: c.581_582delinsTT, p.Gly194Val (NM_001348729.2, NM_001348731.2, NM_001348734.2 and 3 more transcripts); c.578_579delinsTT, p.Gly193Val (NM_001348732.2, NM_001348735.2, NM_001348738.2 and 3 more transcripts); c.452_453delinsTT, p.Gly151Val (NM_001348736.2); c.578_579delinsTT (NM_020738.2); short protein forms G151V, G194V, G193V.
Identifiers: ClinVar variation 1032095 (VCV001032095.9), dbSNP rs1675445207, ClinGen allele CA1237160235.
Genomic context (GRCh38, chr2:8,806,295, plus strand): 5'-TTTCTATTGCCAAGCATTAAAATATAAGATACTTACAGCTCCTTCTTGATCCACATCAGC[TC>AA]CCATGGCCAATAAATGTTTCACACATTCCAAATGACCCTTTCGTGCAGCCCAAACTAAAG-3'
Protein context (NP_065789.1, residues 183-203): LECVKHLLAM[Gly193Val]ADVDQEGANS